The following is an entry in ClinVar:

ClinVar aggregate classification (germline): Pathogenic (1 of 4 stars; one submission).

Submission:

Labcorp Genetics (formerly Invitae), Labcorp
Classification: Pathogenic. Last evaluated: 2022-05-25. Review status: criteria provided, single submitter. Criteria: Invitae Variant Classification Sherloc (09022015). Collection method: clinical testing. Allele origin: germline.
Comment: For these reasons, this variant has been classified as Pathogenic. This variant has not been reported in the literature in individuals affected with SCLT1-related conditions. This variant is not present in population databases (gnomAD no frequency). This sequence change creates a premature translational stop signal (p.Leu280*) in the SCLT1 gene. It is expected to result in an absent or disrupted protein product. Loss-of-function variants in SCLT1 are known to be pathogenic (PMID: 28005958).

Literature cited by the submitters: PubMed 28005958.

NM_144643.4(SCLT1):c.839T>A (p.Leu280Ter)

Gene: SCLT1 (sodium channel and clathrin linker 1; minus strand). Cytogenetic location: 4q28.2.
Variant type: single nucleotide variant.
Coding change: c.839T>A on transcript NM_144643.4 (MANE Select); coding-DNA position 839, T replaced by A.
Protein change: p.Leu280Ter; replaces leucine 280 with a stop codon.
Molecular consequence: nonsense.
Genome position (GRCh38, 1-based): chr4:128,965,257, A>T on the plus strand (T>A on the coding strand, the complement: SCLT1 is on the minus strand). VCF-style: chr4-128965257-A-T. GRCh37 (hg19) VCF-style: chr4-129886412-A-T.
Other names: c.839T>A, p.Leu280Ter (NM_001410807.1); short protein forms L280*.
Identifiers: ClinVar variation 1998636 (VCV001998636.4), dbSNP rs2530497837, ClinGen allele CA358189057.
Genomic context (GRCh38, chr4:128,965,257, plus strand): 5'-CAACAAAGCTAGGTGCATTTAACAATTTACCTTATTTCTAATTGTTTTATACTAGACTGT[A>T]ACTGCTGTAAACGCCTATCTGATGCTTCCTCTCTTCCATGGGCAGACACCACATCCTTCT-3'